The following is an entry in ClinVar:

NM_001040108.2(MLH3):c.281G>A (p.Gly94Glu)

Gene: MLH3 (mutL homolog 3; minus strand). Cytogenetic location: 14q24.3.
Variant type: single nucleotide variant.
Coding change: c.281G>A on transcript NM_001040108.2 (MANE Select); coding-DNA position 281, G replaced by A.
Protein change: p.Gly94Glu; replaces glycine 94 with glutamic acid.
Molecular consequence: missense variant.
Genome position (GRCh38, 1-based): chr14:75,049,375, C>T on the plus strand (G>A on the coding strand, the complement: MLH3 is on the minus strand). VCF-style: chr14-75049375-C-T. GRCh37 (hg19) VCF-style: chr14-75516078-C-T.
Other names: c.281G>A, p.Gly94Glu (NM_014381.3); c.281G>A (NM_001040108.1); short protein forms G94E.
Identifiers: ClinVar variation 1421723 (VCV001421723.9), dbSNP rs759973402, ClinGen allele CA390451184.

ClinVar aggregate classification (germline): Uncertain significance. Review status: criteria provided, multiple submitters, no conflicts (2 of 4 stars). 2 submissions from 2 submitters: Uncertain significance (2). Last evaluated 2024-04-28.

Conditions:
Colorectal cancer, hereditary nonpolyposis, type 7. Identifiers: Orphanet 144, MedGen C1858380, MONDO:0013725, OMIM 614385.

Allele frequency attached by ClinVar (database versions not stated): gnomAD exomes below 0.00001; TOPMed below 0.00001.
gnomAD v4.1: 3 of 1,614,072 alleles (0.00019%); highest among the groups gnomAD compares: Non-Finnish European, 0.00025%; no homozygotes.

Submissions (2):

Ambry Genetics
Classification: Uncertain significance. Last evaluated: 2024-04-28. Review status: criteria provided, single submitter. Criteria: Ambry Variant Classification Scheme 2023. Collection method: clinical testing. Allele origin: germline.
Comment: The p.G94E variant (also known as c.281G>A), located in coding exon 1 of the MLH3 gene, results from a G to A substitution at nucleotide position 281. The glycine at codon 94 is replaced by glutamic acid, an amino acid with similar properties. This amino acid position is conserved. In addition, this alteration is predicted to be deleterious by in silico analysis. Based on the available evidence, the clinical significance of this variant remains unclear.

Labcorp Genetics (formerly Invitae), Labcorp
Classification: Uncertain significance for Colorectal cancer, hereditary nonpolyposis, type 7. Last evaluated: 2020-11-24. Review status: criteria provided, single submitter. Criteria: Invitae Variant Classification Sherloc (09022015). Collection method: clinical testing. Allele origin: germline.
Comment: In summary, the available evidence is currently insufficient to determine the role of this variant in disease. Therefore, it has been classified as a Variant of Uncertain Significance. Algorithms developed to predict the effect of missense changes on protein structure and function are either unavailable or do not agree on the potential impact of this missense change (SIFT: "Deleterious"; PolyPhen-2: "Probably Damaging"; Align-GVGD: "Class C0"). This variant has not been reported in the literature in individuals with MLH3-related conditions. This variant is not present in population databases (ExAC no frequency). This sequence change replaces glycine with glutamic acid at codon 94 of the MLH3 protein (p.Gly94Glu). The glycine residue is highly conserved and there is a moderate physicochemical difference between glycine and glutamic acid.